The following is an entry in ClinVar:

NM_001184.4(ATR):c.6373G>T (p.Val2125Phe)

Gene: ATR (ATR checkpoint kinase; minus strand). Cytogenetic location: 3q23.
Variant type: single nucleotide variant.
Coding change: c.6373G>T on transcript NM_001184.4 (MANE Select); coding-DNA position 6373, G replaced by T.
Protein change: p.Val2125Phe; replaces valine 2125 with phenylalanine.
Molecular consequence: missense variant.
Genome position (GRCh38, 1-based): chr3:142,469,516, C>A on the plus strand (G>T on the coding strand, the complement: ATR is on the minus strand). VCF-style: chr3-142469516-C-A. GRCh37 (hg19) VCF-style: chr3-142188358-C-A.
Other names: c.6181G>T, p.Val2061Phe (NM_001354579.2); short protein forms V2061F, V2125F.
Identifiers: ClinVar variation 2496626 (VCV002496626.2), dbSNP rs1341655239, ClinGen allele CA354805181.
Genomic context (GRCh38, chr3:142,469,516, plus strand): 5'-ATTGTGAAAAAGCAGTCAAAAATTGATATGGAGCTAAATAGTTTGTATGCTCTGTGATAA[C>A]CTTGTTTATTTTACCCAAATCATTCCTCATTTGTACACGATCGGAGCGGCCAGCTGGGGG-3'
Protein context (NP_001175.2, residues 2115-2135): MRNDLGKINK[Val2125Phe]ITEHTNYLAP

ClinVar aggregate classification (germline): Uncertain significance (1 of 4 stars; one submission).

Conditions:
Inborn genetic diseases. Identifiers: MedGen C0950123, MeSH D030342.

gnomAD v4.1: 22 of 1,613,866 alleles (0.0014%); highest among the groups gnomAD compares: Non-Finnish European, 0.0019%; no homozygotes.

Submission:

Ambry Genetics
Classification: Uncertain significance for Inborn genetic diseases. Last evaluated: 2022-11-16. Review status: criteria provided, single submitter. Criteria: Ambry Variant Classification Scheme 2023. Collection method: clinical testing. Allele origin: germline.
Comment: The p.V2125F variant (also known as c.6373G>T), located in coding exon 38 of the ATR gene, results from a G to T substitution at nucleotide position 6373. The valine at codon 2125 is replaced by phenylalanine, an amino acid with highly similar properties. This amino acid position is conserved. In addition, this alteration is predicted to be tolerated by in silico analysis. Since supporting evidence is limited at this time, the clinical significance of this alteration remains unclear.